The following is an entry in ClinVar:

ClinVar aggregate classification (germline): Uncertain significance (1 of 4 stars; one submission).

Conditions:
ARID1A-related disorder. Also called: ARID1A-related condition.

Submission:

PreventionGenetics, part of Exact Sciences
Classification: Uncertain significance for ARID1A-related condition. Last evaluated: 2024-10-16. Review status: criteria provided, single submitter. Criteria: ACMG Guidelines, 2015. Collection method: clinical testing. Allele origin: germline.
Comment: The ARID1A c.2131T>C variant is predicted to result in the amino acid substitution p.Ser711Pro. To our knowledge, this variant has not been reported in the literature or in a large population database (gnomAD), indicating this variant is rare. At this time, the clinical significance of this variant is uncertain due to the absence of conclusive functional and genetic evidence.

NM_006015.6(ARID1A):c.2131T>C (p.Ser711Pro)

Gene: ARID1A (AT-rich interaction domain 1A; plus strand). Cytogenetic location: 1p36.11.
Variant type: single nucleotide variant.
Coding change: c.2131T>C on transcript NM_006015.6 (MANE Select); coding-DNA position 2131, T replaced by C.
Protein change: p.Ser711Pro; replaces serine 711 with proline.
Molecular consequence: missense variant.
Genome position (GRCh38, 1-based): chr1:26,761,066, T>C. VCF-style: chr1-26761066-T-C. GRCh37 (hg19) VCF-style: chr1-27087557-T-C.
Other names: c.2131T>C, p.Ser711Pro (NM_139135.4); short protein forms S711P.
Identifiers: ClinVar variation 4996987 (VCV004996987.1).